The following is an entry in ClinVar:

ClinVar aggregate classification (germline): Pathogenic (1 of 4 stars; one submission).

Conditions:
Landau-Kleffner syndrome (FESD). Also called: EPILEPSY, FOCAL, WITH SPEECH DISORDER AND WITH OR WITHOUT MENTAL RETARDATION; APHASIA, ACQUIRED, WITH EPILEPSY. Identifiers: Orphanet 1945, Orphanet 725, Orphanet 98818, MedGen C0282512, MONDO:0009509, OMIM 245570.

Submission:

Labcorp Genetics (formerly Invitae), Labcorp
Classification: Pathogenic for Landau-Kleffner syndrome. Last evaluated: 2023-09-11. Review status: criteria provided, single submitter. Criteria: Invitae Variant Classification Sherloc (09022015). Collection method: clinical testing. Allele origin: unknown.
Comment: This variant is a gross deletion of the genomic region encompassing exon(s) 12-14 of the GRIN2A gene, which includes the termination codon. This deletion extends beyond the assayed region for this gene and therefore may encompass additional genes. While this deletion is not anticipated to lead to nonsense mediated decay, it is expected to alter mRNA translation or result in a truncated protein product. This variant has not been reported in the literature in individuals affected with GRIN2A-related conditions. This variant disrupts a region of the GRIN2A protein in which other variant(s) (p.Trp1271*) have been determined to be pathogenic (PMID: 29961510). This suggests that this is a clinically significant region of the protein, and that variants that disrupt it are likely to be disease-causing. For these reasons, this variant has been classified as Pathogenic.

Literature cited by the submitters: PubMed 29961510.

NC_000016.9:g.(?_9857006)_(9892341_?)del

Gene: GRIN2A (glutamate ionotropic receptor NMDA type subunit 2A; minus strand). Cytogenetic location: 16p13.2.
Variant type: Deletion.
Identifiers: ClinVar variation 3243410 (VCV003243410.1).